The following is an entry in ClinVar:

ClinVar aggregate classification (germline): Uncertain significance (1 of 4 stars; one submission).

gnomAD v4.1: 2 of 1,610,286 alleles (0.00012%); highest among the groups gnomAD compares: South Asian, 0.0011%; no homozygotes.

Submission:

GeneDx
Classification: Uncertain significance. Last evaluated: 2019-09-13. Review status: criteria provided, single submitter. Criteria: GeneDx Variant Classification Process June 2021. Collection method: clinical testing. Allele origin: germline. Affected: yes.
Comment: Not observed at a significant frequency in large population cohorts (Lek et al., 2016); In silico analysis, which includes protein predictors and evolutionary conservation, supports that this variant does not alter protein structure/function; Has not been previously published as pathogenic or benign to our knowledge

NM_001039141.3(TRIOBP):c.1159G>C (p.Asp387His)

Gene: TRIOBP (TRIO and F-actin binding protein; plus strand). Cytogenetic location: 22q13.1.
Variant type: single nucleotide variant.
Coding change: c.1159G>C on transcript NM_001039141.3 (MANE Select); coding-DNA position 1159, G replaced by C.
Protein change: p.Asp387His; replaces aspartic acid 387 with histidine.
Molecular consequence: missense variant.
Genome position (GRCh38, 1-based): chr22:37,723,715, G>C. VCF-style: chr22-37723715-G-C. GRCh37 (hg19) VCF-style: chr22-38119722-G-C.
Other names: short protein forms D387H.
Identifiers: ClinVar variation 1308062 (VCV001308062.2), dbSNP rs769836567, ClinGen allele CA411458879.